The following is an entry in ClinVar:

NM_032549.4(IMMP2L):c.335A>G (p.Lys112Arg)

Gene: IMMP2L (inner mitochondrial membrane peptidase subunit 2; minus strand). Cytogenetic location: 7q31.1.
Variant type: single nucleotide variant.
Coding change: c.335A>G on transcript NM_032549.4 (MANE Select); coding-DNA position 335, A replaced by G.
Protein change: p.Lys112Arg; replaces lysine 112 with arginine.
Molecular consequence: missense variant. On other transcripts: intron variant (1).
Genome position (GRCh38, 1-based): chr7:110,886,666, T>C on the plus strand (A>G on the coding strand, the complement: IMMP2L is on the minus strand). VCF-style: chr7-110886666-T-C. GRCh37 (hg19) VCF-style: chr7-110526722-T-C.
Other names: c.335A>G, p.Lys112Arg (NM_001244606.2, NM_001350959.2, NM_001350960.2); c.419A>G, p.Lys140Arg (NM_001350961.2); c.305+76834A>G (NM_001350963.2); short protein forms K112R, K140R.
Identifiers: ClinVar variation 3042696 (VCV003042696.2), dbSNP rs200836792, ClinGen allele CA4440589.

ClinVar aggregate classification (germline): Benign (0 of 4 stars; one submission).

Conditions:
IMMP2L-related disorder. Also called: IMMP2L-related condition.

Allele frequency attached by ClinVar (database versions not stated): TOPMed 0.00025; gnomAD 0.00043; 1000 Genomes Project 0.00140; 1000 Genomes Project 30x 0.00156.
gnomAD v4.1: 1,155 of 1,603,170 alleles (0.072%); highest among the groups gnomAD compares: South Asian, 1%; 10 homozygotes.

Submission:

PreventionGenetics, part of Exact Sciences
Classification: Benign for IMMP2L-related condition. Last evaluated: 2019-06-27. Review status: no assertion criteria provided. Collection method: clinical testing. Allele origin: germline.
Comment: This variant is classified as benign based on ACMG/AMP sequence variant interpretation guidelines (Richards et al. 2015 PMID: 25741868, with internal and published modifications).